The following is an entry in ClinVar:

ClinVar aggregate classification (germline): Likely benign. Review status: criteria provided, multiple submitters, no conflicts (2 of 4 stars). 3 submissions from 3 submitters: Likely benign (3). Last evaluated 2025-03-13.

Conditions:
PIEZO1-related disorder. Also called: PIEZO1-Related Disorders; PIEZO1-related condition.

Allele frequency attached by ClinVar (database versions not stated): TOPMed 0.00006; gnomAD exomes 0.00010; 1000 Genomes Project 0.00040; 1000 Genomes Project 30x 0.00047.
gnomAD v4.1: 84 of 1,549,750 alleles (0.0054%); highest among the groups gnomAD compares: Middle Eastern, 0.084%; no homozygotes.

Submissions (3):

PreventionGenetics, part of Exact Sciences
Classification: Likely benign for PIEZO1-related condition. Last evaluated: 2025-03-13. Review status: criteria provided, single submitter. Criteria: ACMG Guidelines, 2015. Collection method: clinical testing. Allele origin: germline.
Comment: This variant is classified as likely benign based on ACMG/AMP sequence variant interpretation guidelines (Richards et al. 2015 PMID: 25741868, with internal and published modifications).

Labcorp Genetics (formerly Invitae), Labcorp
Classification: Likely benign. Last evaluated: 2024-11-21. Review status: criteria provided, single submitter. Criteria: Invitae Variant Classification Sherloc (09022015). Collection method: clinical testing. Allele origin: germline.

Blueprint Genetics
Classification: Likely benign. Last evaluated: 2024-10-08. Review status: criteria provided, single submitter. Criteria: ACMG Guidelines, 2015. Collection method: clinical testing. Allele origin: germline.

NM_001142864.4(PIEZO1):c.2940C>T (p.Leu980=)

Genes: HSALR1 (HSP90AB1 associated lncRNA 1; plus strand), PIEZO1 (piezo type mechanosensitive ion channel component 1 (Er blood group); minus strand). Cytogenetic location: 16q24.3.
Variant type: single nucleotide variant.
Coding change: c.2940C>T on transcript NM_001142864.4 (MANE Select); coding-DNA position 2940, C replaced by T.
Protein change: p.Leu980=; no amino-acid change (leucine 980 retained).
Molecular consequence: synonymous variant.
Genome position (GRCh38, 1-based): chr16:88,732,386, G>A on the plus strand (C>T on the coding strand, the complement: PIEZO1 is on the minus strand). VCF-style: chr16-88732386-G-A. GRCh37 (hg19) VCF-style: chr16-88798794-G-A.
Identifiers: ClinVar variation 733180 (VCV000733180.7), dbSNP rs541368471, ClinGen allele CA286420372.